The following is an entry in ClinVar:

ClinVar aggregate classification (germline): Conflicting classifications of pathogenicity. Review status: criteria provided, conflicting classifications (1 of 4 stars). 2 submissions from 2 submitters: Uncertain significance (1); Likely benign (1). Last evaluated 2026-01-11.

Conditions:
Cardiovascular phenotype. Identifiers: MedGen CN230736.
Brugada syndrome. Also called: Sudden unexpected nocturnal death syndrome; Sudden unexplained nocturnal death syndrome; Sudden Unexplained Death Syndrome; Sudden Unexplained Nocturnal Death Syndrome (SUNDS). Identifiers: Orphanet 130, MedGen C1142166, MONDO:0015263.

Allele frequency attached by ClinVar (database versions not stated): gnomAD 0.00001; TOPMed 0.00002; gnomAD exomes 0.00004.
gnomAD v4.1: 13 of 1,614,030 alleles (0.00081%); highest among the groups gnomAD compares: Admixed American, 0.017%; no homozygotes.

Submissions (2):

Labcorp Genetics (formerly Invitae), Labcorp
Classification: Uncertain significance for Brugada syndrome. Last evaluated: 2026-01-11. Review status: criteria provided, single submitter. Criteria: Invitae Variant Classification Sherloc (09022015). Collection method: clinical testing. Allele origin: germline.
Comment: This sequence change replaces aspartic acid, which is acidic and polar, with glycine, which is neutral and non-polar, at codon 664 of the SCN10A protein (p.Asp664Gly). This variant is present in population databases (no rsID available, gnomAD 0.02%). This variant has not been reported in the literature in individuals affected with SCN10A-related conditions. ClinVar contains an entry for this variant (Variation ID: 1402481). Invitae Evidence Modeling of protein sequence and biophysical properties (such as structural, functional, and spatial information, amino acid conservation, physicochemical variation, residue mobility, and thermodynamic stability) indicates that this missense variant is expected to disrupt SCN10A protein function with a positive predictive value of 80%. In summary, the available evidence is currently insufficient to determine the role of this variant in disease. Therefore, it has been classified as a Variant of Uncertain Significance.

Ambry Genetics
Classification: Likely benign for Cardiovascular phenotype. Last evaluated: 2025-07-03. Review status: criteria provided, single submitter. Criteria: Ambry Variant Classification Scheme 2023. Collection method: clinical testing. Allele origin: germline.

NM_006514.4(SCN10A):c.1991A>G (p.Asp664Gly)

Gene: SCN10A (sodium voltage-gated channel alpha subunit 10; minus strand). Cytogenetic location: 3p22.2.
Variant type: single nucleotide variant.
Coding change: c.1991A>G on transcript NM_006514.4 (MANE Select); coding-DNA position 1991, A replaced by G.
Protein change: p.Asp664Gly; replaces aspartic acid 664 with glycine.
Molecular consequence: missense variant.
Genome position (GRCh38, 1-based): chr3:38,742,406, T>C on the plus strand (A>G on the coding strand, the complement: SCN10A is on the minus strand). VCF-style: chr3-38742406-T-C. GRCh37 (hg19) VCF-style: chr3-38783897-T-C.
Other names: c.1991A>G (NM_006514.2); c.1991A>G, p.Asp664Gly (NM_001293306.2); c.1697A>G, p.Asp566Gly (NM_001293307.2); short protein forms D664G, D566G.
Identifiers: ClinVar variation 1402481 (VCV001402481.7), dbSNP rs1177831483, ClinGen allele CA352165577.